The following is an entry in ClinVar:

NM_000552.5(VWF):c.5285A>G (p.Gln1762Arg)

Gene: VWF (von Willebrand factor; minus strand). Cytogenetic location: 12p13.31.
Variant type: single nucleotide variant.
Coding change: c.5285A>G on transcript NM_000552.5 (MANE Select); coding-DNA position 5285, A replaced by G.
Protein change: p.Gln1762Arg; replaces glutamine 1762 with arginine.
Molecular consequence: missense variant.
Genome position (GRCh38, 1-based): chr12:6,016,542, T>C on the plus strand (A>G on the coding strand, the complement: VWF is on the minus strand). VCF-style: chr12-6016542-T-C. GRCh37 (hg19) VCF-style: chr12-6125708-T-C.
Other names: p.Gln1762Arg; c.5285A>G (NM_000552.4); short protein forms Q1762R.
Identifiers: ClinVar variation 3234250 (VCV003234250.21), dbSNP rs199729586, ClinGen allele CA6402330.

ClinVar aggregate classification (germline): Uncertain significance. Review status: criteria provided, multiple submitters, no conflicts (2 of 4 stars). 2 submissions from 2 submitters: Uncertain significance (2). Last evaluated 2025-02-27.

Allele frequency attached by ClinVar (database versions not stated): TOPMed 0.00001; gnomAD 0.00003; gnomAD exomes 0.00008; ExAC 0.00013.
gnomAD v4.1: 122 of 1,614,042 alleles (0.0076%); highest among the groups gnomAD compares: South Asian, 0.11%; 5 homozygotes.

Submissions (2):

Mayo Clinic Laboratories, Mayo Clinic
Classification: Uncertain significance. Last evaluated: 2025-02-27. Review status: criteria provided, single submitter. Criteria: ACMG Guidelines, 2015. Collection method: clinical testing. Allele origin: germline. Observed: 2 variant alleles.

CeGaT Center for Human Genetics Tuebingen
Classification: Uncertain significance. Last evaluated: 2024-04-01. Review status: criteria provided, single submitter. Criteria: CeGaT Center For Human Genetics Tuebingen Variant Classification Criteria Version 2. Collection method: clinical testing. Allele origin: germline. Affected: yes. Observed: 1 variant allele.
Comment: VWF: PM2:Supporting, BP4

Literature cited by the submitters: PubMed 20345715 (cited by Mayo Clinic Laboratories, Mayo Clinic).